The following is an entry in ClinVar:

ClinVar aggregate classification (germline): Benign/Likely benign. Review status: criteria provided, multiple submitters, no conflicts (2 of 4 stars). 6 submissions from 6 submitters: Benign (5); Likely benign (1). Last evaluated 2026-01-29.

Conditions:
Kidney disorder. Also called: Nephropathy; Kidney disease; Kidney Diseases; renal disease; renal disorder. Identifiers: MedGen C0022658, MONDO:0005240, HP:0000112.

Allele frequency attached by ClinVar (database versions not stated): ESP Exome Variant Server 0.00446; TOPMed 0.00656; gnomAD exomes 0.00783 and 0.01252; 1000 Genomes Project 30x 0.00937; gnomAD 0.00971 and 0.00974; 1000 Genomes Project 0.01018; ExAC 0.01797.
gnomAD v4.1: 12,944 of 1,608,906 alleles (0.8%); highest among the groups gnomAD compares: East Asian, 4%; 136 homozygotes.

Submissions (6):

Labcorp Genetics (formerly Invitae), Labcorp
Classification: Benign. Last evaluated: 2026-01-29. Review status: criteria provided, single submitter. Criteria: Invitae Variant Classification Sherloc (09022015). Collection method: clinical testing. Allele origin: germline.

Mayo Clinic Laboratories, Mayo Clinic
Classification: Benign. Last evaluated: 2024-12-06. Review status: criteria provided, single submitter. Criteria: ACMG Guidelines, 2015. Collection method: clinical testing. Allele origin: germline. Observed: 10 variant alleles.
Comment: BS1, BS2, BP4, BP7

Blueprint Genetics
Classification: Likely benign. Last evaluated: 2024-11-28. Review status: criteria provided, single submitter. Criteria: ACMG Guidelines, 2015. Collection method: clinical testing. Allele origin: germline.

Genome Diagnostics Laboratory, The Hospital for Sick Children
Classification: Benign for Kidney disorder. Last evaluated: 2020-03-01. Review status: criteria provided, single submitter. Criteria: ACMG Guidelines, 2015. Collection method: clinical testing. Allele origin: germline.

GeneDx
Classification: Benign. Last evaluated: 2016-03-08. Review status: criteria provided, single submitter. Criteria: GeneDx Variant Classification (06012015). Collection method: clinical testing. Allele origin: germline. Affected: yes.
Comment: This variant is considered likely benign or benign based on one or more of the following criteria: it is a conservative change, it occurs at a poorly conserved position in the protein, it is predicted to be benign by multiple in silico algorithms, and/or has population frequency not consistent with disease.

Breakthrough Genomics
Classification: Benign. Review status: criteria provided, single submitter. Criteria: ACMG Guidelines, 2015. Collection method: not provided. Allele origin: germline. Inheritance: Autosomal recessive inheritance. Affected: yes.

NM_024876.4(COQ8B):c.1578C>T (p.Asp526=)

Gene: COQ8B (coenzyme Q8B; minus strand). Cytogenetic location: 19q13.2.
Variant type: single nucleotide variant.
Coding change: c.1578C>T on transcript NM_024876.4 (MANE Select); coding-DNA position 1578, C replaced by T.
Protein change: p.Asp526=; no amino-acid change (aspartic acid 526 retained).
Molecular consequence: synonymous variant.
Genome position (GRCh38, 1-based): chr19:40,692,092, G>A on the plus strand (C>T on the coding strand, the complement: COQ8B is on the minus strand). VCF-style: chr19-40692092-G-A. GRCh37 (hg19) VCF-style: chr19-41197997-G-A.
Other names: p.Asp526=; c.1455C>T, p.Asp485= (NM_001142555.3).
Identifiers: ClinVar variation 380448 (VCV000380448.14), dbSNP rs56276635, ClinGen allele CA9449968.